The following is an entry in ClinVar:

ClinVar aggregate classification (germline): Uncertain significance (1 of 4 stars; one submission).

Conditions:
WDPCP-related disorder. Also called: WDPCP-related condition.

Submission:

PreventionGenetics, part of Exact Sciences
Classification: Uncertain significance for WDPCP-related condition. Last evaluated: 2026-03-13. Review status: criteria provided, single submitter. Criteria: ACMG Guidelines, 2015. Collection method: clinical testing. Allele origin: germline.
Comment: The WDPCP c.1916A>G variant is predicted to result in the amino acid substitution p.Asp639Gly. This variant corresponds to a deep intronic position in the primary transcript (NM_015910.5:c.1748+18477A>G), which is not predicted to alter splicing based on available splicing prediction programs (SpliceAI, Jaganathan et al. 2019. PubMed ID: 30661751). However, the use of computer prediction programs is not equivalent to functional evidence. To our knowledge, this variant has not been reported in the literature or in a large population database (gnomAD), indicating this variant is rare. At this time, the clinical significance of this variant is uncertain due to the absence of conclusive functional and genetic evidence.

NM_015910.7(WDPCP):c.1748+18477A>G

Gene: WDPCP (WD repeat containing planar cell polarity effector; minus strand). Cytogenetic location: 2p15.
Variant type: single nucleotide variant.
Coding change: c.1748+18477A>G on transcript NM_015910.7 (MANE Select); 18477 bases into the intron after coding-DNA position 1748, A replaced by G.
Molecular consequence: intron variant. On other transcripts: missense variant (1).
Genome position (GRCh38, 1-based): chr2:63,359,909, T>C on the plus strand (A>G on the coding strand, the complement: WDPCP is on the minus strand). VCF-style: chr2-63359909-T-C. GRCh37 (hg19) VCF-style: chr2-63587044-T-C.
Other names: c.1916A>G, p.Asp639Gly (NM_001354045.2); c.1676+18477A>G (NM_001354044.2); c.1271+18477A>G (NM_001042692.3); short protein forms D639G.
Identifiers: ClinVar variation 4977519 (VCV004977519.1).